The following is an entry in ClinVar:

NM_020693.4(DSCAML1):c.4279G>A (p.Glu1427Lys)

Gene: DSCAML1 (DS cell adhesion molecule like 1; minus strand). Cytogenetic location: 11q23.3.
Variant type: single nucleotide variant.
Coding change: c.4279G>A on transcript NM_020693.4 (MANE Select); coding-DNA position 4279, G replaced by A.
Protein change: p.Glu1427Lys; replaces glutamic acid 1427 with lysine.
Molecular consequence: missense variant.
Genome position (GRCh38, 1-based): chr11:117,438,048, C>T on the plus strand (G>A on the coding strand, the complement: DSCAML1 is on the minus strand). VCF-style: chr11-117438048-C-T. GRCh37 (hg19) VCF-style: chr11-117308764-C-T.
Other names: c.4459G>A (NM_020693.2); short protein forms E1427K.
Identifiers: ClinVar variation 1906512 (VCV001906512.6), dbSNP rs144401581, ClinGen allele CA6296414.

ClinVar aggregate classification (germline): Uncertain significance. Review status: criteria provided, multiple submitters, no conflicts (2 of 4 stars). 2 submissions from 2 submitters: Uncertain significance (2). Last evaluated 2025-06-25.

Allele frequency attached by ClinVar (database versions not stated): gnomAD 0.00002; TOPMed 0.00002; ExAC 0.00004; ESP Exome Variant Server 0.00008.
gnomAD v4.1: 86 of 1,613,856 alleles (0.0053%); highest among the groups gnomAD compares: Non-Finnish European, 0.0069%; no homozygotes.

Submissions (2):

Ambry Genetics
Classification: Uncertain significance. Last evaluated: 2025-06-25. Review status: criteria provided, single submitter. Criteria: Ambry Variant Classification Scheme 2023. Collection method: clinical testing. Allele origin: germline.

Labcorp Genetics (formerly Invitae), Labcorp
Classification: Uncertain significance. Last evaluated: 2022-10-25. Review status: criteria provided, single submitter. Criteria: Invitae Variant Classification Sherloc (09022015). Collection method: clinical testing. Allele origin: germline.
Comment: This sequence change replaces glutamic acid, which is acidic and polar, with lysine, which is basic and polar, at codon 1487 of the DSCAML1 protein (p.Glu1487Lys). This variant is present in population databases (rs144401581, gnomAD 0.007%). This variant has not been reported in the literature in individuals affected with DSCAML1-related conditions. Algorithms developed to predict the effect of missense changes on protein structure and function are either unavailable or do not agree on the potential impact of this missense change (SIFT: "Deleterious"; PolyPhen-2: "Benign"; Align-GVGD: "Class C0"). In summary, the available evidence is currently insufficient to determine the role of this variant in disease. Therefore, it has been classified as a Variant of Uncertain Significance.